The following is an entry in ClinVar:

NM_001039213.4(CEACAM16):c.1191C>A (p.Asp397Glu)

Genes: CEACAM16-AS1 (CEACAM16, CEACAM19 and PVR antisense RNA 1; minus strand), CEACAM16 (CEA cell adhesion molecule 16, tectorial membrane component; plus strand). Cytogenetic location: 19q13.32.
Variant type: single nucleotide variant.
Coding change: c.1191C>A on transcript NM_001039213.4 (MANE Select); coding-DNA position 1191, C replaced by A.
Protein change: p.Asp397Glu; replaces aspartic acid 397 with glutamic acid.
Molecular consequence: missense variant.
Genome position (GRCh38, 1-based): chr19:44,708,111, C>A. VCF-style: chr19-44708111-C-A. GRCh37 (hg19) VCF-style: chr19-45211383-C-A.
Other names: short protein forms D397E.
Identifiers: ClinVar variation 283090 (VCV000283090.12), dbSNP rs543881691, ClinGen allele CA9503253.
Genomic context (GRCh38, chr19:44,708,111, plus strand): 5'-AGGCCGGGAGGTGGGCTTCCCCAACTGCTCGCTGTTGGTGCAGAAGCTGAACCTCACAGA[C>A]ACTGGCCGCTACACACTCAAGACTGTCACAGTGCAGGGCAAGACTGAGACACTGGAAGTG-3'
Protein context (NP_001034302.2, residues 387-407): SLLVQKLNLT[Asp397Glu]TGRYTLKTVT

ClinVar aggregate classification (germline): Uncertain significance. Review status: criteria provided, multiple submitters, no conflicts (2 of 4 stars). 5 submissions from 5 submitters: Uncertain significance (5). Last evaluated 2025-03-27.

Conditions:
CEACAM16-related disorder. Also called: CEACAM16-related condition.
Hearing loss, autosomal recessive 113. Also called: Deafness, autosomal recessive 113. Identifiers: MedGen C5193079, MONDO:0032732, OMIM 618410.
Autosomal dominant nonsyndromic hearing loss 4B. Identifiers: Orphanet 90635, MedGen C3281297, MONDO:0013823, OMIM 614614.

Allele frequency attached by ClinVar (database versions not stated): TOPMed 0.00007; gnomAD 0.00011; gnomAD exomes 0.00024 and 0.00004; ExAC 0.00006.
gnomAD v4.1: 352 of 1,609,814 alleles (0.022%); highest among the groups gnomAD compares: Non-Finnish European, 0.029%; no homozygotes.

Submissions (5):

PreventionGenetics, part of Exact Sciences
Classification: Uncertain significance for CEACAM16-related condition. Last evaluated: 2025-03-27. Review status: criteria provided, single submitter. Criteria: ACMG Guidelines, 2015. Collection method: clinical testing. Allele origin: germline.
Comment: The CEACAM16 c.1191C>A variant is predicted to result in the amino acid substitution p.Asp397Glu. To our knowledge, this variant has not been reported in the literature. This variant is reported in 0.0097% of alleles in individuals of European (Non-Finnish) descent in gnomAD. At this time, the clinical significance of this variant is uncertain due to the absence of conclusive functional and genetic evidence.

Labcorp Genetics (formerly Invitae), Labcorp
Classification: Uncertain significance. Last evaluated: 2025-01-23. Review status: criteria provided, single submitter. Criteria: Invitae Variant Classification Sherloc (09022015). Collection method: clinical testing. Allele origin: germline.
Comment: This sequence change replaces aspartic acid, which is acidic and polar, with glutamic acid, which is acidic and polar, at codon 397 of the CEACAM16 protein (p.Asp397Glu). This variant is present in population databases (rs543881691, gnomAD 0.009%). This variant has not been reported in the literature in individuals affected with CEACAM16-related conditions. ClinVar contains an entry for this variant (Variation ID: 283090). An algorithm developed to predict the effect of missense changes on protein structure and function (PolyPhen-2) suggests that this variant is likely to be disruptive. In summary, the available evidence is currently insufficient to determine the role of this variant in disease. Therefore, it has been classified as a Variant of Uncertain Significance.

Fulgent Genetics
Classification: Uncertain significance for Autosomal dominant nonsyndromic hearing loss 4B; Hearing loss, autosomal recessive 113. Last evaluated: 2022-01-07. Review status: criteria provided, single submitter. Criteria: ACMG Guidelines, 2015. Collection method: clinical testing. Allele origin: unknown.

GeneDx
Classification: Uncertain significance. Last evaluated: 2021-05-17. Review status: criteria provided, single submitter. Criteria: GeneDx Variant Classification Process June 2021. Collection method: clinical testing. Allele origin: germline. Affected: yes.
Comment: In silico analysis supports that this missense variant does not alter protein structure/function; Has not been previously published as pathogenic or benign to our knowledge

Eurofins Ntd Llc (ga)
Classification: Uncertain significance. Last evaluated: 2015-09-28. Review status: criteria provided, single submitter. Criteria: EGL Classification Definitions 2015. Collection method: clinical testing. Allele origin: germline. Observed: 2 variant alleles, 2 heterozygotes.